The following is an entry in ClinVar:

NM_003380.5(VIM):c.99G>T (p.Thr33=)

Genes: VIM (vimentin; plus strand), VIM-AS1 (VIM antisense RNA 1; minus strand). Cytogenetic location: 10p13.
Variant type: single nucleotide variant.
Coding change: c.99G>T on transcript NM_003380.5 (MANE Select); coding-DNA position 99, G replaced by T.
Protein change: p.Thr33=; no amino-acid change (threonine 33 retained).
Molecular consequence: synonymous variant. On other transcripts: non-coding transcript variant (1).
Genome position (GRCh38, 1-based): chr10:17,229,521, G>T. VCF-style: chr10-17229521-G-T. GRCh37 (hg19) VCF-style: chr10-17271520-G-T.
Identifiers: ClinVar variation 703473 (VCV000703473.15), dbSNP rs531385322, ClinGen allele CA5426347.
Genomic context (GRCh38, chr10:17,229,521, plus strand): 5'-GATGTTCGGCGGCCCGGGCACCGCGAGCCGGCCGAGCTCCAGCCGGAGCTACGTGACTAC[G>T]TCCACCCGCACCTACAGCCTGGGCAGCGCGCTGCGCCCCAGCACCAGCCGCAGCCTCTAC-3'
Protein context (NP_003371.2, residues 23-43): RPSSSRSYVT[Thr33=]STRTYSLGSA

ClinVar aggregate classification (germline): Benign. Review status: criteria provided, single submitter (1 of 4 stars). 2 submissions from 2 submitters: Benign (1). 1 of the submissions does not count toward it. Last evaluated 2025-10-27.

Conditions:
Cataract 30 (CTRCT30). Also called: CATARACT 30, PULVERULENT. Identifiers: Orphanet 91492, Orphanet 98984, Orphanet 98992, MedGen C3805411, MONDO:0007286, OMIM 116300.
VIM-related disorder. Also called: VIM-related condition.

Allele frequency attached by ClinVar (database versions not stated): gnomAD 0.00001 and 0.00011; TOPMed 0.00002; gnomAD exomes 0.00040; ExAC 0.00053; 1000 Genomes Project 0.00060; 1000 Genomes Project 30x 0.00062.
gnomAD v4.1: 308 of 1,608,148 alleles (0.019%); highest among the groups gnomAD compares: South Asian, 0.31%; 3 homozygotes.

Submissions (2):

Labcorp Genetics (formerly Invitae), Labcorp
Classification: Benign for Cataract 30. Last evaluated: 2025-10-27. Review status: criteria provided, single submitter. Criteria: Invitae Variant Classification Sherloc (09022015). Collection method: clinical testing. Allele origin: germline.

PreventionGenetics, part of Exact Sciences
Classification: Likely benign for VIM-related condition. Last evaluated: 2019-04-09. Review status: no assertion criteria provided. Collection method: clinical testing. Allele origin: germline. Not counted in ClinVar's aggregate classification.
Comment: This variant is classified as likely benign based on ACMG/AMP sequence variant interpretation guidelines (Richards et al. 2015 PMID: 25741868, with internal and published modifications).